The following is an entry in ClinVar:

ClinVar aggregate classification (germline): Pathogenic/Likely pathogenic. Review status: criteria provided, multiple submitters, no conflicts (2 of 4 stars). 3 submissions from 3 submitters: Pathogenic (1); Likely pathogenic (1). 1 of the submissions does not count toward it. Last evaluated 2023-06-10.

Conditions:
Mucopolysaccharidosis, MPS-IV-A (MPS4A). Also called: Morquio syndrome A, mild; MORQUIO SYNDROME A; Mucopolysaccharidosis Type IVA; MPS IVA; Mucopolysaccharidosis type IV A; mucopolysaccharidosis type 4A. Identifiers: Orphanet 309297, Orphanet 582, MedGen C0086651, MONDO:0009659, OMIM 253000.

Allele frequency attached by ClinVar (database versions not stated): TOPMed below 0.00001; gnomAD 0.00001.
gnomAD v4.1: 1 of 1,579,636 alleles (0.000063%); highest among the groups gnomAD compares: Non-Finnish European, 0.000086%; no homozygotes.

Submissions (3):

Labcorp Genetics (formerly Invitae), Labcorp
Classification: Pathogenic for Mucopolysaccharidosis, MPS-IV-A. Last evaluated: 2023-06-10. Review status: criteria provided, single submitter. Criteria: Invitae Variant Classification Sherloc (09022015). Collection method: clinical testing. Allele origin: germline.
Comment: This sequence change affects a donor splice site in intron 8 of the GALNS gene. It is expected to disrupt RNA splicing. Variants that disrupt the donor or acceptor splice site typically lead to a loss of protein function (PMID: 16199547), and loss-of-function variants in GALNS are known to be pathogenic (PMID: 12442278). For these reasons, this variant has been classified as Pathogenic. Algorithms developed to predict the effect of sequence changes on RNA splicing suggest that this variant may disrupt the consensus splice site. ClinVar contains an entry for this variant (Variation ID: 224783). Disruption of this splice site has been observed in individuals with mucopolysaccharidosis type IVA (PMID: 9298823, 15235041). This variant is not present in population databases (gnomAD no frequency).

Laboratory of Diagnosis and Therapy of Lysosomal Disorders, University of Padova
Classification: Likely pathogenic for Mucopolysaccharidosis, MPS-IV-A. Last evaluated: 2021-02-01. Review status: criteria provided, single submitter. Criteria: ACMG Guidelines, 2015. Collection method: curation. Allele origin: germline. Affected: yes.
Comment: Splicing variant in canonical site (PVS1_very strong); absent from gnomAD v2.1.1 (PM2_moderate)

GeneReviews
No classification provided. Condition: Mucopolysaccharidosis, MPS-IV-A. Review status: no classification provided. Collection method: literature only. Allele origin: germline. Not counted in ClinVar's aggregate classification.

Literature cited by the submitters: PubMed 16199547 (cited by Labcorp Genetics (formerly Invitae), Labcorp); PubMed 12442278 (cited by Labcorp Genetics (formerly Invitae), Labcorp); PubMed 9298823 (cited by Labcorp Genetics (formerly Invitae), Labcorp); PubMed 15235041 (cited by Labcorp Genetics (formerly Invitae), Labcorp and Laboratory of Diagnosis and Therapy of Lysosomal Disorders, University of Padova); PubMed 16287098 (cited by Laboratory of Diagnosis and Therapy of Lysosomal Disorders, University of Padova and GeneReviews); PubMed 34387910 (cited by Laboratory of Diagnosis and Therapy of Lysosomal Disorders, University of Padova); PubMed 23844448 (cited by GeneReviews).

NM_000512.5(GALNS):c.898+1G>C

Gene: GALNS (galactosamine (N-acetyl)-6-sulfatase; minus strand). Cytogenetic location: 16q24.3.
Variant type: single nucleotide variant.
Coding change: c.898+1G>C on transcript NM_000512.5 (MANE Select); the canonical splice donor site of the intron after coding-DNA position 898, G replaced by C.
Molecular consequence: splice donor variant.
Genome position (GRCh38, 1-based): chr16:88,835,212, C>G on the plus strand (G>C on the coding strand, the complement: GALNS is on the minus strand). VCF-style: chr16-88835212-C-G. GRCh37 (hg19) VCF-style: chr16-88901620-C-G.
Other names: c.343+1G>C (NM_001323543.2); c.916+1G>C (NM_001323544.2).
Identifiers: ClinVar variation 224783 (VCV000224783.10), dbSNP rs761850746, ClinGen allele CA357205.
Genomic context (GRCh38, chr16:88,835,212, plus strand): 5'-GGCACTCTTCGCTGACACGCTGGCTGTGGGGAAACCGTGAGAAGTGACAGCGAGCACTCA[C>G]CTTGTTCGGGGGCGGAAATGAGGGCAGCGCCGTTGTCCGACGTGAAGAAGACGAAGGTGT-3'